The following is an entry in ClinVar:

NM_001365951.3(KIF1B):c.5308G>A (p.Val1770Ile)

Gene: KIF1B (kinesin family member 1B; plus strand). Cytogenetic location: 1p36.22.
Variant type: single nucleotide variant.
Coding change: c.5308G>A on transcript NM_001365951.3 (MANE Select); coding-DNA position 5308, G replaced by A.
Protein change: p.Val1770Ile; replaces valine 1770 with isoleucine.
Molecular consequence: missense variant.
Genome position (GRCh38, 1-based): chr1:10,375,273, G>A. VCF-style: chr1-10375273-G-A. GRCh37 (hg19) VCF-style: chr1-10435331-G-A.
Other names: c.5308G>A, p.Val1770Ile (NM_001365952.1); c.5170G>A, p.Val1724Ile (NM_015074.3); short protein forms V1770I, V1724I.
Identifiers: ClinVar variation 4043028 (VCV004043028.1).

ClinVar aggregate classification (germline): Uncertain significance (1 of 4 stars; one submission).

Submission:

Ambry Genetics
Classification: Uncertain significance. Last evaluated: 2025-06-13. Review status: criteria provided, single submitter. Criteria: Ambry Variant Classification Scheme 2023. Collection method: clinical testing. Allele origin: germline.
Comment: The p.V1724I variant (also known as c.5170G>A), located in coding exon 45 of the KIF1B gene, results from a G to A substitution at nucleotide position 5170. The valine at codon 1724 is replaced by isoleucine, an amino acid with highly similar properties. This amino acid position is conserved. In addition, this alteration is predicted to be tolerated by in silico analysis. Based on the available evidence, the clinical significance of this variant remains unclear.